The following is an entry in ClinVar:

NC_000010.10:g.(?_73571434)_(73572534_?)del

Gene: CDH23 (cadherin related 23; plus strand). Cytogenetic location: 10q22.1.
Variant type: Deletion.
Identifiers: ClinVar variation 3245010 (VCV003245010.1).

ClinVar aggregate classification (germline): Likely pathogenic (1 of 4 stars; one submission).

Submission:

Labcorp Genetics (formerly Invitae), Labcorp
Classification: Likely pathogenic. Last evaluated: 2024-01-05. Review status: criteria provided, single submitter. Criteria: Invitae Variant Classification Sherloc (09022015). Collection method: clinical testing. Allele origin: unknown.
Comment: This variant results in the deletion of exons 65-67 and part of exon 68 (c.9279-36_9520del) of the CDH23 gene. It is expected to disrupt RNA splicing. Variants that disrupt the donor or acceptor splice site typically lead to a loss of protein function (PMID: 16199547), and loss-of-function variants in CDH23 are known to be pathogenic (PMID: 11138009, 21940737). This variant has not been reported in the literature in individuals affected with CDH23-related conditions. In summary, the currently available evidence indicates that the variant is pathogenic, but additional data are needed to prove that conclusively. Therefore, this variant has been classified as Likely Pathogenic.

Literature cited by the submitters: PubMed 16199547; PubMed 11138009; PubMed 21940737.